The following is an entry in ClinVar:

NM_013275.6(ANKRD11):c.1669C>G (p.Pro557Ala)

Gene: ANKRD11 (ankyrin repeat domain 11; minus strand). Cytogenetic location: 16q24.3.
Variant type: single nucleotide variant.
Coding change: c.1669C>G on transcript NM_013275.6 (MANE Select); coding-DNA position 1669, C replaced by G.
Protein change: p.Pro557Ala; replaces proline 557 with alanine.
Molecular consequence: missense variant.
Genome position (GRCh38, 1-based): chr16:89,284,873, G>C on the plus strand (C>G on the coding strand, the complement: ANKRD11 is on the minus strand). VCF-style: chr16-89284873-G-C. GRCh37 (hg19) VCF-style: chr16-89351281-G-C.
Other names: c.1669C>G, p.Pro557Ala (NM_001256182.2, NM_001256183.2); short protein forms P557A.
Identifiers: ClinVar variation 1700571 (VCV001700571.5), dbSNP rs1372321169, ClinGen allele CA397164460.

ClinVar aggregate classification (germline): Pathogenic (0 of 4 stars; one submission).

Conditions:
KBG syndrome (KBGS). Also called: ANKRD11-Related KBG Syndrome. Identifiers: Orphanet 2332, MedGen C0220687, MONDO:0007846, OMIM 148050.

Allele frequency attached by ClinVar (database versions not stated): gnomAD exomes below 0.00001; TOPMed below 0.00001; gnomAD 0.00001.
gnomAD v4.1: 2 of 1,613,988 alleles (0.00012%); highest among the groups gnomAD compares: Non-Finnish European, 0.00017%; no homozygotes.

Submission:

Department of Medical Genetics, National Institute of Health
Classification: Pathogenic for KBG syndrome. Last evaluated: 2022-08-02. Review status: no assertion criteria provided. Collection method: clinical testing. Allele origin: maternal. Inheritance: Autosomal dominant inheritance. Affected: yes. Observed: 1 heterozygote.
Comment: This variant has not been previously reported and was not found in 138 Moroccan Clinical Exomes on our house database. It is classified as a variant with uncertain significance/Likely pathogenic according to ACMG classification (American Journal of Genetics).